The following is an entry in ClinVar:

NM_001040108.2(MLH3):c.4127A>G (p.Glu1376Gly)

Gene: MLH3 (mutL homolog 3; minus strand). Cytogenetic location: 14q24.3.
Variant type: single nucleotide variant.
Coding change: c.4127A>G on transcript NM_001040108.2 (MANE Select); coding-DNA position 4127, A replaced by G.
Protein change: p.Glu1376Gly; replaces glutamic acid 1376 with glycine.
Molecular consequence: missense variant.
Genome position (GRCh38, 1-based): chr14:75,018,944, T>C on the plus strand (A>G on the coding strand, the complement: MLH3 is on the minus strand). VCF-style: chr14-75018944-T-C. GRCh37 (hg19) VCF-style: chr14-75485647-T-C.
Other names: c.4055A>G, p.Glu1352Gly (NM_014381.3); c.4127A>G (NM_001040108.1); short protein forms E1352G, E1376G.
Identifiers: ClinVar variation 1697678 (VCV001697678.9), dbSNP rs748701618, ClinGen allele CA7275216.

ClinVar aggregate classification (germline): Uncertain significance. Review status: criteria provided, multiple submitters, no conflicts (2 of 4 stars). 2 submissions from 2 submitters: Uncertain significance (2). Last evaluated 2025-03-04.

Allele frequency attached by ClinVar (database versions not stated): TOPMed below 0.00001; gnomAD exomes 0.00001; ExAC 0.00002.

Submissions (2):

Center for Genomic Medicine, Rigshospitalet, Copenhagen University Hospital
Classification: Uncertain significance. Last evaluated: 2025-03-04. Review status: criteria provided, single submitter. Criteria: ACMG Guidelines, 2015. Collection method: clinical testing. Allele origin: germline.

Ambry Genetics
Classification: Uncertain significance. Last evaluated: 2022-07-05. Review status: criteria provided, single submitter. Criteria: Ambry Variant Classification Scheme 2023. Collection method: clinical testing. Allele origin: germline.
Comment: The p.E1376G variant (also known as c.4127A>G), located in coding exon 11 of the MLH3 gene, results from an A to G substitution at nucleotide position 4127. The glutamic acid at codon 1376 is replaced by glycine, an amino acid with similar properties. This amino acid position is conserved. In addition, the in silico prediction for this alteration is inconclusive. Since supporting evidence is limited at this time, the clinical significance of this alteration remains unclear.